The following is an entry in ClinVar:

NM_002334.4(LRP4):c.4634A>G (p.Asn1545Ser)

Genes: LRP4-AS1 (LRP4 antisense RNA 1; plus strand), LRP4 (LDL receptor related protein 4; minus strand). Cytogenetic location: 11p11.2.
Variant type: single nucleotide variant.
Coding change: c.4634A>G on transcript NM_002334.4 (MANE Select); coding-DNA position 4634, A replaced by G.
Protein change: p.Asn1545Ser; replaces asparagine 1545 with serine.
Molecular consequence: missense variant.
Genome position (GRCh38, 1-based): chr11:46,871,583, T>C on the plus strand (A>G on the coding strand, the complement: LRP4 is on the minus strand). VCF-style: chr11-46871583-T-C. GRCh37 (hg19) VCF-style: chr11-46893134-T-C.
Other names: c.4634A>G (NM_002334.3); short protein forms N1545S.
Identifiers: ClinVar variation 1445116 (VCV001445116.6), dbSNP rs142352845, ClinGen allele CA221625867.

ClinVar aggregate classification (germline): Uncertain significance. Review status: criteria provided, multiple submitters, no conflicts (2 of 4 stars). 2 submissions from 2 submitters: Uncertain significance (2). Last evaluated 2025-08-09.

Conditions:
Cenani-Lenz syndactyly syndrome. Also called: SYNDACTYLY, TYPE VII; CENANI SYNDACTYLISM. Identifiers: Orphanet 3258, MedGen C1859309, MONDO:0008931, OMIM 212780.
Congenital myasthenic syndrome 17. Identifiers: Orphanet 590, MedGen C4225377, MONDO:0014578, OMIM 616304.
Sclerosteosis 2 (SOST2). Identifiers: Orphanet 3152, MedGen C3280402, MONDO:0013679, OMIM 614305.
Inborn genetic diseases. Identifiers: MedGen C0950123, MeSH D030342.

Allele frequency attached by ClinVar (database versions not stated): gnomAD exomes 0.00001 and 0.00002; TOPMed 0.00002; ESP Exome Variant Server 0.00008.
gnomAD v4.1: 9 of 1,613,462 alleles (0.00056%); highest among the groups gnomAD compares: South Asian, 0.0044%; no homozygotes.

Submissions (2):

Ambry Genetics
Classification: Uncertain significance for Inborn genetic diseases. Last evaluated: 2025-08-09. Review status: criteria provided, single submitter. Criteria: Ambry Variant Classification Scheme 2023. Collection method: clinical testing. Allele origin: germline.

Labcorp Genetics (formerly Invitae), Labcorp
Classification: Uncertain significance for Cenani-Lenz syndactyly syndrome; Sclerosteosis 2; Congenital myasthenic syndrome 17. Last evaluated: 2023-10-13. Review status: criteria provided, single submitter. Criteria: Invitae Variant Classification Sherloc (09022015). Collection method: clinical testing. Allele origin: germline.
Comment: This sequence change replaces asparagine, which is neutral and polar, with serine, which is neutral and polar, at codon 1545 of the LRP4 protein (p.Asn1545Ser). This variant is present in population databases (rs142352845, gnomAD 0.003%). This variant has not been reported in the literature in individuals affected with LRP4-related conditions. ClinVar contains an entry for this variant (Variation ID: 1445116). Algorithms developed to predict the effect of missense changes on protein structure and function output the following: SIFT: "Not Available"; PolyPhen-2: "Benign"; Align-GVGD: "Not Available". The serine amino acid residue is found in multiple mammalian species, which suggests that this missense change does not adversely affect protein function. In summary, the available evidence is currently insufficient to determine the role of this variant in disease. Therefore, it has been classified as a Variant of Uncertain Significance.